The following is an entry in ClinVar:

ClinVar aggregate classification (germline): Likely benign (1 of 4 stars; one submission).

Conditions:
Juvenile polyposis syndrome (JPS). Identifiers: Orphanet 2929, MedGen C0345893, MONDO:0017380, OMIM 174900.

Submission:

Myriad Genetics, Inc.
Classification: Likely benign for Juvenile polyposis syndrome. Last evaluated: 2024-08-01. Review status: criteria provided, single submitter. Criteria: Myriad Autosomal Dominant, Autosomal Recessive and X-Linked Classification Criteria (2023). Collection method: clinical testing. Allele origin: unknown.
Comment: This variant is considered likely benign. This variant is intronic and is not expected to impact mRNA splicing.

NM_004329.3(BMPR1A):c.531-9T>C

Gene: BMPR1A (bone morphogenetic protein receptor type 1A; plus strand). Cytogenetic location: 10q23.2.
Variant type: single nucleotide variant.
Coding change: c.531-9T>C on transcript NM_004329.3 (MANE Select); 9 bases into the intron before coding-DNA position 531, T replaced by C.
Molecular consequence: intron variant.
Genome position (GRCh38, 1-based): chr10:86,912,231, T>C. VCF-style: chr10-86912231-T-C. GRCh37 (hg19) VCF-style: chr10-88671988-T-C.
Other names: c.531-9T>C (NM_001406562.1, NM_001406568.1, NM_001406567.1 and 20 more transcripts); c.447-9T>C (NM_001406584.1, NM_001406588.1, NM_001406587.1 and 2 more transcripts); c.579-9T>C (NM_001406560.1); c.606-9T>C (NM_001406559.1); c.334-4903T>C (NM_001406589.1).
Identifiers: ClinVar variation 3378516 (VCV003378516.1).
Genomic context (GRCh38, chr10:86,912,231, plus strand): 5'-CTCAAGGTTTTTCTTAGGGTTTTATAGTTTTTCATTTTTAATGTAGATTGTTTTCTGCTT[T>C]TTTAAAAGACATTATTGCAAGAGCATCTCAAGCAGACGTCGTTACAATCGTGATTTGGAA-3'